The following is an entry in ClinVar:

ClinVar aggregate classification (germline): Uncertain significance (1 of 4 stars; one submission).

Allele frequency attached by ClinVar (database versions not stated): gnomAD exomes below 0.00001.
gnomAD v4.1: 1 of 1,538,594 alleles (0.000065%); highest among the groups gnomAD compares: African/African-American, 0.0014%; no homozygotes.

Submission:

GeneDx
Classification: Uncertain significance. Last evaluated: 2019-04-11. Review status: criteria provided, single submitter. Criteria: GeneDx Variant Classification Process June 2021. Collection method: clinical testing. Allele origin: germline. Affected: yes.
Comment: In silico analysis, which includes protein predictors and evolutionary conservation, supports that this variant does not alter protein structure/function; Has not been previously published as pathogenic or benign to our knowledge

NM_003718.5(CDK13):c.815A>G (p.Lys272Arg)

Gene: CDK13 (cyclin dependent kinase 13; plus strand). Cytogenetic location: 7p14.1.
Variant type: single nucleotide variant.
Coding change: c.815A>G on transcript NM_003718.5 (MANE Select); coding-DNA position 815, A replaced by G.
Protein change: p.Lys272Arg; replaces lysine 272 with arginine.
Molecular consequence: missense variant.
Genome position (GRCh38, 1-based): chr7:39,951,456, A>G. VCF-style: chr7-39951456-A-G. GRCh37 (hg19) VCF-style: chr7-39991055-A-G.
Other names: c.815A>G, p.Lys272Arg (NM_031267.4); short protein forms K272R.
Identifiers: ClinVar variation 1304594 (VCV001304594.2), dbSNP rs1223447697, ClinGen allele CA367310550.